The following is an entry in ClinVar:

ClinVar aggregate classification (germline): Likely benign (1 of 4 stars; one submission).

Submission:

CeGaT Center for Human Genetics Tuebingen
Classification: Likely benign. Last evaluated: 2024-12-01. Review status: criteria provided, single submitter. Criteria: CeGaT Center For Human Genetics Tuebingen Variant Classification Criteria Version 2. Collection method: clinical testing. Allele origin: germline. Affected: yes. Observed: 1 variant allele.
Comment: ADCY3: PM2:Supporting, BP4, BP7

NM_004036.5(ADCY3):c.24C>G (p.Ser8=)

Gene: ADCY3 (adenylate cyclase 3; minus strand). Cytogenetic location: 2p23.3.
Variant type: single nucleotide variant.
Coding change: c.24C>G on transcript NM_004036.5 (MANE Select); coding-DNA position 24, C replaced by G.
Protein change: p.Ser8=; no amino-acid change (serine 8 retained).
Molecular consequence: synonymous variant.
Genome position (GRCh38, 1-based): chr2:24,918,964, G>C on the plus strand (C>G on the coding strand, the complement: ADCY3 is on the minus strand). VCF-style: chr2-24918964-G-C. GRCh37 (hg19) VCF-style: chr2-25141833-G-C.
Other names: c.24C>G, p.Ser8= (NM_001320613.2, NM_001377128.1, NM_001377129.1 and 2 more transcripts).
Identifiers: ClinVar variation 3772028 (VCV003772028.13).